The following is an entry in ClinVar:

NM_004972.4(JAK2):c.3204C>A (p.Asp1068Glu)

Genes: INSL6 (insulin like 6; minus strand), JAK2 (Janus kinase 2; plus strand). Cytogenetic location: 9p24.1.
Variant type: single nucleotide variant.
Coding change: c.3204C>A on transcript NM_004972.4 (MANE Select); coding-DNA position 3204, C replaced by A.
Protein change: p.Asp1068Glu; replaces aspartic acid 1068 with glutamic acid.
Molecular consequence: missense variant. On other transcripts: non-coding transcript variant (2).
Genome position (GRCh38, 1-based): chr9:5,126,359, C>A. VCF-style: chr9-5126359-C-A. GRCh37 (hg19) VCF-style: chr9-5126359-C-A.
Other names: c.3204C>A, p.Asp1068Glu (NM_001322194.2, NM_001322195.2, NM_001322196.2); c.1989C>A, p.Asp663Glu (NM_001322198.2, NM_001322199.2); c.2757C>A, p.Asp919Glu (NM_001322204.2); short protein forms D1068E, D663E, D919E.
Identifiers: ClinVar variation 3635812 (VCV003635812.2).

ClinVar aggregate classification (germline): Uncertain significance (1 of 4 stars; one submission).

Submission:

Labcorp Genetics (formerly Invitae), Labcorp
Classification: Uncertain significance. Last evaluated: 2025-03-31. Review status: criteria provided, single submitter. Criteria: Invitae Variant Classification Sherloc (09022015). Collection method: clinical testing. Allele origin: germline.
Comment: This sequence change replaces aspartic acid, which is acidic and polar, with glutamic acid, which is acidic and polar, at codon 1068 of the JAK2 protein (p.Asp1068Glu). This variant is not present in population databases (gnomAD no frequency). This variant has not been reported in the literature in individuals affected with JAK2-related conditions. Invitae Evidence Modeling of protein sequence and biophysical properties (such as structural, functional, and spatial information, amino acid conservation, physicochemical variation, residue mobility, and thermodynamic stability) indicates that this missense variant is not expected to disrupt JAK2 protein function with a negative predictive value of 95%. In summary, the available evidence is currently insufficient to determine the role of this variant in disease. Therefore, it has been classified as a Variant of Uncertain Significance.